The following is an entry in ClinVar:

NM_000302.4(PLOD1):c.677T>C (p.Val226Ala)

Gene: PLOD1 (procollagen-lysine,2-oxoglutarate 5-dioxygenase 1; plus strand). Cytogenetic location: 1p36.22.
Variant type: single nucleotide variant.
Coding change: c.677T>C on transcript NM_000302.4 (MANE Select); coding-DNA position 677, T replaced by C.
Protein change: p.Val226Ala; replaces valine 226 with alanine.
Molecular consequence: missense variant.
Genome position (GRCh38, 1-based): chr1:11,956,950, T>C. VCF-style: chr1-11956950-T-C. GRCh37 (hg19) VCF-style: chr1-12017007-T-C.
Other names: c.818T>C, p.Val273Ala (NM_001316320.2); short protein forms V226A, V273A.
Identifiers: ClinVar variation 811853 (VCV000811853.14), dbSNP rs376643174, ClinGen allele CA18002772.

ClinVar aggregate classification (germline): Uncertain significance. Review status: criteria provided, multiple submitters, no conflicts (2 of 4 stars). 2 submissions from 2 submitters: Uncertain significance (2). Last evaluated 2022-08-09.

Conditions:
Ehlers-Danlos syndrome, kyphoscoliotic type 1 (EDSKSCL1). Also called: PLOD1-Related Kyphoscoliotic Ehlers-Danlos Syndrome; EHLERS-DANLOS SYNDROME, OCULAR-SCOLIOTIC TYPE; EHLERS-DANLOS SYNDROME, TYPE VIA; Ehlers-Danlos syndrome, hydroxylysine-deficient. Identifiers: Orphanet 1900, MedGen C0268342, MONDO:0016002, OMIM 225400. Disease mechanism: loss of function.

Allele frequency attached by ClinVar (database versions not stated): TOPMed below 0.00001; gnomAD exomes 0.00001 and below 0.00001.
gnomAD v4.1: 4 of 1,613,754 alleles (0.00025%); highest among the groups gnomAD compares: East Asian, 0.0022%; no homozygotes.

Submissions (2):

Labcorp Genetics (formerly Invitae), Labcorp
Classification: Uncertain significance for Ehlers-Danlos syndrome, kyphoscoliotic type 1. Last evaluated: 2022-08-09. Review status: criteria provided, single submitter. Criteria: Invitae Variant Classification Sherloc (09022015). Collection method: clinical testing. Allele origin: germline.
Comment: This sequence change replaces valine, which is neutral and non-polar, with alanine, which is neutral and non-polar, at codon 226 of the PLOD1 protein (p.Val226Ala). This variant is present in population databases (rs376643174, gnomAD 0.006%). This variant has not been reported in the literature in individuals affected with PLOD1-related conditions. ClinVar contains an entry for this variant (Variation ID: 811853). Algorithms developed to predict the effect of missense changes on protein structure and function (SIFT, PolyPhen-2, Align-GVGD) all suggest that this variant is likely to be tolerated. In summary, the available evidence is currently insufficient to determine the role of this variant in disease. Therefore, it has been classified as a Variant of Uncertain Significance.

ARUP Laboratories, Molecular Genetics and Genomics, ARUP Laboratories
Classification: Uncertain significance for Ehlers-Danlos syndrome, kyphoscoliotic type 1. Last evaluated: 2018-12-15. Review status: criteria provided, single submitter. Criteria: ARUP Molecular Germline Variant Investigation Process. Collection method: clinical testing. Allele origin: germline.
Comment: The PLOD1 c.677T>C; p.Val226Ala variant (rs376643174), to our knowledge, is not reported in the medical literature or gene specific databases. This variant is found on two chromosomes in the Genome Aggregation Database, indicating it is not a common polymorphism. The valine at codon 226 is highly conserved, but computational analyses (SIFT, PolyPhen-2) predict that this variant is tolerated. However, given the lack of clinical and functional data, the significance of the p.Val226Ala variant is uncertain at this time.